The following is an entry in ClinVar:

NM_001330360.2(POLA1):c.4082A>G (p.Asn1361Ser)

Gene: POLA1 (DNA polymerase alpha 1, catalytic subunit; plus strand). Cytogenetic location: Xp22.11.
Variant type: single nucleotide variant.
Coding change: c.4082A>G on transcript NM_001330360.2 (MANE Select); coding-DNA position 4082, A replaced by G.
Protein change: p.Asn1361Ser; replaces asparagine 1361 with serine.
Molecular consequence: missense variant. On other transcripts: non-coding transcript variant (2).
Genome position (GRCh38, 1-based): chrX:24,888,040, A>G. VCF-style: chrX-24888040-A-G. GRCh37 (hg19) VCF-style: chrX-24906157-A-G.
Other names: c.4064A>G (NM_016937.3); c.4007A>G, p.Asn1336Ser (NM_001378303.1); c.4064A>G, p.Asn1355Ser (NM_016937.4); short protein forms N1355S, N1336S, N1361S.
Identifiers: ClinVar variation 1508581 (VCV001508581.10), dbSNP rs747410080, ClinGen allele CA10373675.

ClinVar aggregate classification (germline): Uncertain significance. Review status: criteria provided, multiple submitters, no conflicts (2 of 4 stars). 2 submissions from 2 submitters: Uncertain significance (2). Last evaluated 2025-11-19.

Conditions:
Inborn genetic diseases. Identifiers: MedGen C0950123, MeSH D030342.

gnomAD v4.1: 27 of 1,207,062 alleles (0.0022%); highest among the groups gnomAD compares: South Asian, 0.0053%; no homozygotes.

Submissions (2):

Ambry Genetics
Classification: Uncertain significance for Inborn genetic diseases. Last evaluated: 2025-11-19. Review status: criteria provided, single submitter. Criteria: Ambry Variant Classification Scheme 2023. Collection method: clinical testing. Allele origin: germline.

Labcorp Genetics (formerly Invitae), Labcorp
Classification: Uncertain significance. Last evaluated: 2023-03-14. Review status: criteria provided, single submitter. Criteria: Invitae Variant Classification Sherloc (09022015). Collection method: clinical testing. Allele origin: germline.
Comment: ClinVar contains an entry for this variant (Variation ID: 1508581). In summary, the available evidence is currently insufficient to determine the role of this variant in disease. Therefore, it has been classified as a Variant of Uncertain Significance. Advanced modeling of protein sequence and biophysical properties (such as structural, functional, and spatial information, amino acid conservation, physicochemical variation, residue mobility, and thermodynamic stability) performed at Invitae indicates that this missense variant is not expected to disrupt POLA1 protein function. This variant has not been reported in the literature in individuals affected with POLA1-related conditions. This variant is present in population databases (rs747410080, gnomAD 0.005%), including at least one homozygous and/or hemizygous individual. This sequence change replaces asparagine, which is neutral and polar, with serine, which is neutral and polar, at codon 1355 of the POLA1 protein (p.Asn1355Ser).